The following is an entry in ClinVar:

NM_000059.4(BRCA2):c.9922T>A (p.Tyr3308Asn)

Gene: BRCA2 (BRCA2 DNA repair associated; plus strand). Cytogenetic location: 13q13.1.
Variant type: single nucleotide variant.
Coding change: c.9922T>A on transcript NM_000059.4 (MANE Select); coding-DNA position 9922, T replaced by A.
Protein change: p.Tyr3308Asn; replaces tyrosine 3308 with asparagine.
Molecular consequence: missense variant. On other transcripts: non-coding transcript variant (1).
Genome position (GRCh38, 1-based): chr13:32,398,435, T>A. VCF-style: chr13-32398435-T-A. GRCh37 (hg19) VCF-style: chr13-32972572-T-A.
Other names: c.9826T>A, p.Tyr3276Asn (NM_001406719.1); c.9871T>A, p.Tyr3291Asn (NM_001406720.1); c.4990T>A, p.Tyr1664Asn (NM_001406721.1); c.3505T>A, p.Tyr1169Asn (NM_001406722.1); short protein forms Y1169N, Y1664N, Y3276N, Y3291N, Y3308N.
Identifiers: ClinVar variation 2582207 (VCV002582207.1), dbSNP rs750818430, ClinGen allele CA6941456.

ClinVar aggregate classification (germline): Uncertain significance (1 of 4 stars; one submission).

Allele frequency attached by ClinVar (database versions not stated): ExAC 0.00001; gnomAD 0.00001.
gnomAD v4.1: 1 of 1,614,040 alleles (0.000062%); highest among the groups gnomAD compares: Admixed American, 0.0017%; no homozygotes.

Submission:

GeneDx
Classification: Uncertain significance. Last evaluated: 2023-03-31. Review status: criteria provided, single submitter. Criteria: GeneDx Variant Classification Process June 2021. Collection method: clinical testing. Allele origin: germline. Affected: yes.
Comment: Not observed at significant frequency in large population cohorts (gnomAD); In silico analysis supports that this missense variant does not alter protein structure/function; Has not been previously published as pathogenic or benign to our knowledge; Also known as 10150T>A